The following is an entry in ClinVar:

ClinVar aggregate classification (germline): Conflicting classifications of pathogenicity. Review status: criteria provided, conflicting classifications (1 of 4 stars). 2 submissions from 2 submitters: Pathogenic (1); Uncertain significance (1). Last evaluated 2025-05-13.

Conditions:
Tyrosinemia type I (TYRSN1). Also called: Tyrosinemia type 1; Fumarylacetoacetase deficiency; Deficiency of fumarylacetoacetase; FAH DEFICIENCY; HEPATORENAL TYROSINEMIA. Identifiers: Orphanet 882, MedGen C0268490, MONDO:0010161, OMIM 276700. Disease mechanism: loss of function.

Submissions (2):

Women's Health and Genetics/Laboratory Corporation of America, LabCorp
Classification: Uncertain significance. Last evaluated: 2025-05-13. Review status: criteria provided, single submitter. Criteria: LabCorp Variant Classification Summary - May 2015. Collection method: clinical testing. Allele origin: germline.
Comment: Variant summary: FAH c.38C>T (p.Pro13Leu) results in a non-conservative amino acid change in the encoded protein sequence. Algorithms developed to predict the effect of missense changes on protein structure and function all suggest that this variant is likely to be disruptive. The variant was absent in 251290 control chromosomes. The available data on variant occurrences in the general population are insufficient to allow any conclusion about variant significance. To our knowledge, no occurrence of c.38C>T in individuals affected with Tyrosinemia Type 1 and no experimental evidence demonstrating its impact on protein function have been reported. ClinVar contains an entry for this variant (Variation ID: 1451234). Based on the evidence outlined above, the variant was classified as uncertain significance.

Labcorp Genetics (formerly Invitae), Labcorp
Classification: Pathogenic for Tyrosinemia type I. Last evaluated: 2021-06-22. Review status: criteria provided, single submitter. Criteria: Invitae Variant Classification Sherloc (09022015). Collection method: clinical testing. Allele origin: germline.
Comment: For these reasons, this variant has been classified as Pathogenic. Advanced modeling of protein sequence and biophysical properties (such as structural, functional, and spatial information, amino acid conservation, physicochemical variation, residue mobility, and thermodynamic stability) performed at Invitae indicates that this missense variant is expected to disrupt FAH protein function. This variant has been observed in individual(s) with tyrosinemia type I (Invitae). In at least one individual the data is consistent with the variant being in trans (on the opposite chromosome) from a pathogenic variant. This variant is not present in population databases (ExAC no frequency). This sequence change replaces proline with leucine at codon 13 of the FAH protein (p.Pro13Leu). The proline residue is highly conserved and there is a moderate physicochemical difference between proline and leucine.

NM_000137.4(FAH):c.38C>T (p.Pro13Leu)

Gene: FAH (fumarylacetoacetate hydrolase; plus strand). Cytogenetic location: 15q25.1.
Variant type: single nucleotide variant.
Coding change: c.38C>T on transcript NM_000137.4 (MANE Select); coding-DNA position 38, C replaced by T.
Protein change: p.Pro13Leu; replaces proline 13 with leucine.
Molecular consequence: missense variant.
Genome position (GRCh38, 1-based): chr15:80,153,092, C>T. VCF-style: chr15-80153092-C-T. GRCh37 (hg19) VCF-style: chr15-80445434-C-T.
Other names: c.38C>T, p.Pro13Leu (NM_001374377.1, NM_001374380.1); short protein forms P13L.
Identifiers: ClinVar variation 1451234 (VCV001451234.9), dbSNP rs2142086863, ClinGen allele CA393615500.
Genomic context (GRCh38, chr15:80,153,092, plus strand): 5'-AGCCGTGCCGGGTGCTCTTCAGCATGTCCTTCATCCCGGTGGCCGAGGATTCCGACTTCC[C>T]CATCCACAACCTGCCCTACGGCGTCTTCTCGACCAGAGGCGACGTGAGCAGTGGGGCTTT-3'
Protein context (NP_000128.1, residues 3-23): FIPVAEDSDF[Pro13Leu]IHNLPYGVFS